The following is an entry in ClinVar:

ClinVar aggregate classification (germline): Uncertain significance. Review status: criteria provided, multiple submitters, no conflicts (2 of 4 stars). 4 submissions from 4 submitters: Uncertain significance (4). Last evaluated 2025-12-08.

Conditions:
Immunodeficiency, common variable, 7. Identifiers: Orphanet 1572, Orphanet 696894, MedGen C3542922, MONDO:0013862, OMIM 614699.
Inborn genetic diseases. Identifiers: MedGen C0950123, MeSH D030342.

Allele frequency attached by ClinVar (database versions not stated): TOPMed 0.00001; gnomAD 0.00003 and below 0.00001; ExAC 0.00011; gnomAD exomes 0.00004 and 0.00009.
gnomAD v4.1: 69 of 1,613,576 alleles (0.0043%); highest among the groups gnomAD compares: South Asian, 0.069%; 1 homozygote.

Submissions (4):

Labcorp Genetics (formerly Invitae), Labcorp
Classification: Uncertain significance for Immunodeficiency, common variable, 7. Last evaluated: 2025-12-08. Review status: criteria provided, single submitter. Criteria: Invitae Variant Classification Sherloc (09022015). Collection method: clinical testing. Allele origin: germline.
Comment: This sequence change replaces histidine, which is basic and polar, with arginine, which is basic and polar, at codon 854 of the CR2 protein (p.His854Arg). This variant is present in population databases (rs780966840, gnomAD 0.06%). This variant has not been reported in the literature in individuals affected with CR2-related conditions. ClinVar contains an entry for this variant (Variation ID: 1006949). An algorithm developed to predict the effect of missense changes on protein structure and function (PolyPhen-2) suggests that this variant is likely to be disruptive. In summary, the available evidence is currently insufficient to determine the role of this variant in disease. Therefore, it has been classified as a Variant of Uncertain Significance.

Genome-Nilou Lab
Classification: Uncertain significance for Immunodeficiency, common variable, 7. Last evaluated: 2023-04-11. Review status: criteria provided, single submitter. Criteria: ACMG Guidelines, 2015. Collection method: clinical testing. Allele origin: germline. Affected: no.

Ambry Genetics
Classification: Uncertain significance for Inborn genetic diseases. Last evaluated: 2021-08-12. Review status: criteria provided, single submitter. Criteria: Ambry Variant Classification Scheme 2023. Collection method: clinical testing. Allele origin: germline.

Revvity Omics, Revvity
Classification: Uncertain significance for Immunodeficiency, common variable, 7. Last evaluated: 2020-12-29. Review status: criteria provided, single submitter. Criteria: ACMG Guidelines, 2015. Collection method: clinical testing. Allele origin: germline.

NM_001006658.3(CR2):c.2561A>G (p.His854Arg)

Gene: CR2 (complement C3d receptor 2; plus strand). Cytogenetic location: 1q32.2.
Variant type: single nucleotide variant.
Coding change: c.2561A>G on transcript NM_001006658.3 (MANE Select); coding-DNA position 2561, A replaced by G.
Protein change: p.His854Arg; replaces histidine 854 with arginine.
Molecular consequence: missense variant.
Genome position (GRCh38, 1-based): chr1:207,475,061, A>G. VCF-style: chr1-207475061-A-G. GRCh37 (hg19) VCF-style: chr1-207648406-A-G.
Other names: c.2384A>G, p.His795Arg (NM_001877.5); c.2561A>G (NM_001006658.2); short protein forms H795R, H854R.
Identifiers: ClinVar variation 1006949 (VCV001006949.10), dbSNP rs780966840, ClinGen allele CA1369000.